The following is an entry in ClinVar:

ClinVar aggregate classification (germline): Likely pathogenic (1 of 4 stars; one submission).

Conditions:
STS-related disorder. Also called: STS-related condition.

Submission:

PreventionGenetics, part of Exact Sciences
Classification: Likely pathogenic for STS-related condition. Last evaluated: 2023-05-31. Review status: criteria provided, single submitter. Criteria: ACMG Guidelines, 2015. Collection method: clinical testing. Allele origin: germline.
Comment: The STS c.1361G>A variant is predicted to result in the amino acid substitution p.Arg454His. This variant was reported as de novo in an individual with ichthyosis (described as c.1567G>A (Arg432His), Valdes-Flores. 2001. PubMed ID: 11411918). To our knowledge, this variant has not been reported in a large population database, indicating this variant is rare. A different substitution (Cys) at the same amino acid position has been reported in an individual with ichthyosis (Gonzalez-Huerta. 2003. PubMed ID: 12864806). This variant is interpreted as likely pathogenic.

NM_001320752.2(STS):c.1346G>A (p.Arg449His)

Gene: STS (steroid sulfatase; plus strand). Cytogenetic location: Xp22.31.
Variant type: single nucleotide variant.
Coding change: c.1346G>A on transcript NM_001320752.2 (MANE Select); coding-DNA position 1346, G replaced by A.
Protein change: p.Arg449His; replaces arginine 449 with histidine.
Molecular consequence: missense variant.
Genome position (GRCh38, 1-based): chrX:7,334,090, G>A. VCF-style: chrX-7334090-G-A. GRCh37 (hg19) VCF-style: chrX-7252131-G-A.
Other names: c.1346G>A, p.Arg449His (NM_000351.7, NM_001320753.2, NM_001320754.2); c.1382G>A, p.Arg461His (NM_001320750.3, NM_001320751.2); short protein forms R449H, R461H.
Identifiers: ClinVar variation 2634838 (VCV002634838.1), dbSNP rs2518726328, ClinGen allele CA412022892.